The following is an entry in ClinVar:

NC_000004.11:g.(?_106290882)_(106292050_?)del

Gene: PPA2 (inorganic pyrophosphatase 2; minus strand). Cytogenetic location: 4q24.
Variant type: Deletion.
Identifiers: ClinVar variation 2427550 (VCV002427550.4).

ClinVar aggregate classification (germline): Uncertain significance (1 of 4 stars; one submission).

Submission:

Labcorp Genetics (formerly Invitae), Labcorp
Classification: Uncertain significance. Last evaluated: 2022-05-07. Review status: criteria provided, single submitter. Criteria: Invitae Variant Classification Sherloc (09022015). Collection method: clinical testing. Allele origin: germline.
Comment: In summary, the available evidence is currently insufficient to determine the role of this variant in disease. Therefore, it has been classified as a Variant of Uncertain Significance. Experimental studies and prediction algorithms are not available or were not evaluated, and the functional significance of this variant is currently unknown. This variant has not been reported in the literature in individuals affected with PPA2-related conditions. This variant is a gross deletion of the genomic region encompassing exon(s) 11-12 of the PPA2 gene, which includes the termination codon. This deletion extends beyond the assayed region for this gene and therefore may encompass additional genes. While this deletion is not anticipated to lead to nonsense mediated decay, it is expected to alter mRNA translation or result in a truncated protein product.